The following is an entry in ClinVar:

ClinVar aggregate classification (germline): Likely benign (1 of 4 stars; one submission).

Conditions:
APC-related disorder. Also called: APC-related condition.

gnomAD v4.1: 7 of 152,246 alleles (0.0046%); highest among the groups gnomAD compares: Non-Finnish European, 0.01%; no homozygotes.

Submission:

PreventionGenetics, part of Exact Sciences
Classification: Likely benign for APC-related condition. Last evaluated: 2026-06-25. Review status: criteria provided, single submitter. Criteria: ACMG Guidelines, 2015. Collection method: clinical testing. Allele origin: germline.
Comment: This variant is classified as likely benign based on ACMG/AMP sequence variant interpretation guidelines (Richards et al. 2015 PMID: 25741868, with internal and published modifications).

NM_001127511.3(APC):c.166-28737C>G

Gene: APC (APC regulator of Wnt signaling pathway; plus strand). Cytogenetic location: 5q22.2.
Variant type: single nucleotide variant.
Coding change: c.166-28737C>G on transcript NM_001127511.3; 28737 bases into the intron before coding-DNA position 166, C replaced by G.
Molecular consequence: intron variant.
Genome position (GRCh38, 1-based): chr5:112,737,589, C>G. VCF-style: chr5-112737589-C-G. GRCh37 (hg19) VCF-style: chr5-112073286-C-G.
Other names: c.-1053-17284C>G (NM_001407470.1, NM_001407472.1); c.-18-17284C>G (NM_001407447.1, NM_001354895.2, NM_001407456.1 and 7 more transcripts); c.166-28737C>G (NM_001407446.1, NM_001354897.2, NM_001354902.2); c.-42-28737C>G (NM_001407453.1).
Identifiers: ClinVar variation 4988992 (VCV004988992.1).